The following is an entry in ClinVar:

ClinVar aggregate classification (germline): Likely pathogenic (1 of 4 stars; one submission).

Allele frequency attached by ClinVar (database versions not stated): gnomAD exomes below 0.00001.
gnomAD v4.1: 1 of 1,613,774 alleles (0.000062%); highest among the groups gnomAD compares: Non-Finnish European, 0.000085%; no homozygotes.

Submission:

Labcorp Genetics (formerly Invitae), Labcorp
Classification: Likely pathogenic. Last evaluated: 2021-05-02. Review status: criteria provided, single submitter. Criteria: Invitae Variant Classification Sherloc (09022015). Collection method: clinical testing. Allele origin: germline.
Comment: In summary, the currently available evidence indicates that the variant is pathogenic, but additional data are needed to prove that conclusively. Therefore, this variant has been classified as Likely Pathogenic. Algorithms developed to predict the effect of sequence changes on RNA splicing suggest that this variant may disrupt the consensus splice site, but this prediction has not been confirmed by published transcriptional studies. This variant has not been reported in the literature in individuals with COL4A3-related conditions. This variant is not present in population databases (ExAC no frequency). This sequence change affects an acceptor splice site in intron 3 of the COL4A3 gene. It is expected to disrupt RNA splicing. Variants that disrupt the donor or acceptor splice site typically lead to a loss of protein function (PMID: 16199547), and loss-of-function variants in COL4A3 are known to be pathogenic (PMID: 8956999, 24854265, 26809805, 27281700).

Literature cited by the submitters: PubMed 16199547; PubMed 8956999; PubMed 24854265; PubMed 26809805; PubMed 27281700.

NM_000091.5(COL4A3):c.235-1G>A

Genes: COL4A3 (collagen type IV alpha 3 chain; plus strand), MFF-DT (MFF divergent transcript; minus strand). Cytogenetic location: 2q36.3.
Variant type: single nucleotide variant.
Coding change: c.235-1G>A on transcript NM_000091.5 (MANE Select); the canonical splice acceptor site of the intron before coding-DNA position 235, G replaced by A.
Molecular consequence: splice acceptor variant.
Genome position (GRCh38, 1-based): chr2:227,244,319, G>A. VCF-style: chr2-227244319-G-A. GRCh37 (hg19) VCF-style: chr2-228109035-G-A.
Identifiers: ClinVar variation 1469247 (VCV001469247.8), dbSNP rs2125904309, ClinGen allele CA350860457.